The following is an entry in ClinVar:

ClinVar aggregate classification (germline): Uncertain significance (1 of 4 stars; one submission).

Conditions:
Hereditary breast ovarian cancer syndrome. Also called: Hereditary breast and ovarian cancer syndrome (HBOC); Hereditary breast and ovarian cancer; Breast and ovarian cancer; Hereditary breast and/or ovarian cancer syndrome; BRCA1- and BRCA2-Associated Hereditary Breast and Ovarian Cancer; Hereditary breast and ovarian cancer syndrome. Identifiers: Orphanet 145, MedGen C0677776, MeSH D061325, MONDO:0003582. Disease mechanism: loss of function.

Submission:

Labcorp Genetics (formerly Invitae), Labcorp
Classification: Uncertain significance for Hereditary breast ovarian cancer syndrome. Last evaluated: 2025-06-22. Review status: criteria provided, single submitter. Criteria: Invitae Variant Classification Sherloc (09022015). Collection method: clinical testing. Allele origin: germline.
Comment: This sequence change replaces asparagine, which is neutral and polar, with tyrosine, which is neutral and polar, at codon 480 of the BRCA1 protein (p.Asn480Tyr). This variant is not present in population databases (gnomAD no frequency). This variant has not been reported in the literature in individuals affected with BRCA1-related conditions. Invitae Evidence Modeling of protein sequence and biophysical properties (such as structural, functional, and spatial information, amino acid conservation, physicochemical variation, residue mobility, and thermodynamic stability) indicates that this missense variant is not expected to disrupt BRCA1 protein function with a negative predictive value of 80%. In summary, the available evidence is currently insufficient to determine the role of this variant in disease. Therefore, it has been classified as a Variant of Uncertain Significance.

NM_007294.4(BRCA1):c.1438A>T (p.Asn480Tyr)

Gene: BRCA1 (BRCA1 DNA repair associated; minus strand). Cytogenetic location: 17q21.31.
Variant type: single nucleotide variant.
Coding change: c.1438A>T on transcript NM_007294.4 (MANE Select); coding-DNA position 1438, A replaced by T.
Protein change: p.Asn480Tyr; replaces asparagine 480 with tyrosine.
Molecular consequence: missense variant. On other transcripts: intron variant (137).
Genome position (GRCh38, 1-based): chr17:43,094,093, T>A on the plus strand (A>T on the coding strand, the complement: BRCA1 is on the minus strand). VCF-style: chr17-43094093-T-A. GRCh37 (hg19) VCF-style: chr17-41246110-T-A.
Other names: c.1315A>T, p.Asn439Tyr (NM_001407683.1, NM_001407682.1, NM_001407863.1 and 19 more transcripts); c.1438A>T, p.Asn480Tyr (NM_001407684.1, NM_001407854.1, NM_001407858.1 and 30 more transcripts); c.1312A>T, p.Asn438Tyr (NM_001407685.1, NM_001407686.1, NM_001407687.1 and 11 more transcripts); c.1297A>T, p.Asn433Tyr (NM_001407692.1, NM_001407694.1, NM_001407697.1 and 29 more transcripts); c.1294A>T, p.Asn432Tyr (NM_001407740.1, NM_001407741.1, NM_001407742.1 and 20 more transcripts); c.1225A>T, p.Asn409Tyr (NM_001407853.1, NM_001407894.1, NM_001407895.1 and 9 more transcripts); c.1435A>T, p.Asn479Tyr (NM_001407860.1, NM_001407861.1, NM_001407587.1 and 22 more transcripts); c.1237A>T, p.Asn413Tyr (NM_001407862.1); and 40 more; short protein forms N184Y, N312Y, N352Y, N353Y, N368Y, N369Y, N391Y, N392Y.
Identifiers: ClinVar variation 4800860 (VCV004800860.1).
Genomic context (GRCh38, chr17:43,094,093, plus strand): 5'-TTGTGAGGGGACGCTCTTGTATTATCTGTGGCTCAGTAACAAATGCTCCTATAATTAGAT[T>A]TTCAGTTACATGGCTTAAGTTGGGGAGGCTTGCCTTCTTCCGATAGGTTTTCCCAAATAT-3'
Protein context (NP_009225.1, residues 470-490): SLPNLSHVTE[Asn480Tyr]LIIGAFVTEP